The following is an entry in ClinVar:

NM_020365.5(EIF2B3):c.1051C>G (p.Leu351Val)

Gene: EIF2B3 (eukaryotic translation initiation factor 2B subunit gamma; minus strand). Cytogenetic location: 1p34.1.
Variant type: single nucleotide variant.
Coding change: c.1051C>G on transcript NM_020365.5 (MANE Select); coding-DNA position 1051, C replaced by G.
Protein change: p.Leu351Val; replaces leucine 351 with valine.
Molecular consequence: missense variant.
Genome position (GRCh38, 1-based): chr1:44,875,620, G>C on the plus strand (C>G on the coding strand, the complement: EIF2B3 is on the minus strand). VCF-style: chr1-44875620-G-C. GRCh37 (hg19) VCF-style: chr1-45341292-G-C.
Other names: c.1051C>G, p.Leu351Val (NM_001166588.3, NM_001261418.2); short protein forms L351V.
Identifiers: ClinVar variation 2088717 (VCV002088717.4), dbSNP rs2522285830, ClinGen allele CA340117157.

ClinVar aggregate classification (germline): Uncertain significance (1 of 4 stars; one submission).

Allele frequency attached by ClinVar (database versions not stated): gnomAD exomes below 0.00001.
gnomAD v4.1: 1 of 1,614,100 alleles (0.000062%); highest among the groups gnomAD compares: South Asian, 0.0011%; no homozygotes.

Submission:

Labcorp Genetics (formerly Invitae), Labcorp
Classification: Uncertain significance. Last evaluated: 2022-02-02. Review status: criteria provided, single submitter. Criteria: Invitae Variant Classification Sherloc (09022015). Collection method: clinical testing. Allele origin: germline.
Comment: This variant has not been reported in the literature in individuals affected with EIF2B3-related conditions. In summary, the available evidence is currently insufficient to determine the role of this variant in disease. Therefore, it has been classified as a Variant of Uncertain Significance. Algorithms developed to predict the effect of missense changes on protein structure and function (SIFT, PolyPhen-2, Align-GVGD) all suggest that this variant is likely to be tolerated. This variant is not present in population databases (gnomAD no frequency). This sequence change replaces leucine, which is neutral and non-polar, with valine, which is neutral and non-polar, at codon 351 of the EIF2B3 protein (p.Leu351Val).